The following is an entry in ClinVar:

ClinVar aggregate classification (germline): Uncertain significance (1 of 4 stars; one submission).

Submission:

Labcorp Genetics (formerly Invitae), Labcorp
Classification: Uncertain significance. Last evaluated: 2025-05-04. Review status: criteria provided, single submitter. Criteria: Invitae Variant Classification Sherloc (09022015). Collection method: clinical testing. Allele origin: germline.
Comment: This sequence change replaces valine, which is neutral and non-polar, with methionine, which is neutral and non-polar, at codon 219 of the TBXA2R protein (p.Val219Met). The frequency data for this variant in the population databases is considered unreliable, as metrics indicate poor data quality at this position in the gnomAD database. This variant has not been reported in the literature in individuals affected with TBXA2R-related conditions. Invitae Evidence Modeling of protein sequence and biophysical properties (such as structural, functional, and spatial information, amino acid conservation, physicochemical variation, residue mobility, and thermodynamic stability) indicates that this missense variant is not expected to disrupt TBXA2R protein function with a negative predictive value of 80%. In summary, the available evidence is currently insufficient to determine the role of this variant in disease. Therefore, it has been classified as a Variant of Uncertain Significance.

NM_001060.6(TBXA2R):c.655G>A (p.Val219Met)

Gene: TBXA2R (thromboxane A2 receptor; minus strand). Cytogenetic location: 19p13.3.
Variant type: single nucleotide variant.
Coding change: c.655G>A on transcript NM_001060.6 (MANE Select); coding-DNA position 655, G replaced by A.
Protein change: p.Val219Met; replaces valine 219 with methionine.
Molecular consequence: missense variant.
Genome position (GRCh38, 1-based): chr19:3,599,980, C>T on the plus strand (G>A on the coding strand, the complement: TBXA2R is on the minus strand). VCF-style: chr19-3599980-C-T. GRCh37 (hg19) VCF-style: chr19-3599978-C-T.
Other names: c.655G>A, p.Val219Met (NM_201636.3); short protein forms V219M.
Identifiers: ClinVar variation 4750842 (VCV004750842.1).